The following is an entry in ClinVar:

NM_001033044.4(GLUL):c.496G>A (p.Gly166Arg)

Genes: GLUL (glutamate-ammonia ligase; minus strand), LOC126805944 (CDK7 strongly-dependent group 2 enhancer GRCh37_chr1:182354799-182355998; plus strand). Cytogenetic location: 1q25.3.
Variant type: single nucleotide variant.
Coding change: c.496G>A on transcript NM_001033044.4 (MANE Select); coding-DNA position 496, G replaced by A.
Protein change: p.Gly166Arg; replaces glycine 166 with arginine.
Molecular consequence: missense variant.
Genome position (GRCh38, 1-based): chr1:182,385,867, C>T on the plus strand (G>A on the coding strand, the complement: GLUL is on the minus strand). VCF-style: chr1-182385867-C-T. GRCh37 (hg19) VCF-style: chr1-182355002-C-T.
Other names: p.Gly166Arg; c.496G>A, p.Gly166Arg (NM_001033056.4, NM_002065.7); short protein forms G166R.
Identifiers: ClinVar variation 3380223 (VCV003380223.1).

ClinVar aggregate classification (germline): Uncertain significance (1 of 4 stars; one submission).

Submission:

Mayo Clinic Laboratories, Mayo Clinic
Classification: Uncertain significance. Last evaluated: 2024-04-05. Review status: criteria provided, single submitter. Criteria: ACMG Guidelines, 2015. Collection method: clinical testing. Allele origin: germline. Observed: 1 variant allele.
Comment: PP3, PM2